The following is an entry in ClinVar:

ClinVar aggregate classification (germline): Uncertain significance. Review status: criteria provided, multiple submitters, no conflicts (2 of 4 stars). 2 submissions from 2 submitters: Uncertain significance (2). Last evaluated 2022-12-02.

Allele frequency attached by ClinVar (database versions not stated): gnomAD exomes 0.00002.

Submissions (2):

Ambry Genetics
Classification: Uncertain significance. Last evaluated: 2022-12-02. Review status: criteria provided, single submitter. Criteria: Ambry Variant Classification Scheme 2023. Collection method: clinical testing. Allele origin: germline.

Labcorp Genetics (formerly Invitae), Labcorp
Classification: Uncertain significance. Last evaluated: 2022-05-05. Review status: criteria provided, single submitter. Criteria: Invitae Variant Classification Sherloc (09022015). Collection method: clinical testing. Allele origin: germline.
Comment: In summary, the available evidence is currently insufficient to determine the role of this variant in disease. Therefore, it has been classified as a Variant of Uncertain Significance. Algorithms developed to predict the effect of missense changes on protein structure and function (SIFT, PolyPhen-2, Align-GVGD) all suggest that this variant is likely to be tolerated. This variant has not been reported in the literature in individuals affected with SLC25A32-related conditions. The frequency data for this variant in the population databases is considered unreliable, as metrics indicate poor data quality at this position in the gnomAD database. This sequence change replaces asparagine, which is neutral and polar, with tyrosine, which is neutral and polar, at codon 63 of the SLC25A32 protein (p.Asn63Tyr).

NM_030780.5(SLC25A32):c.187A>T (p.Asn63Tyr)

Gene: SLC25A32 (solute carrier family 25 member 32; minus strand). Cytogenetic location: 8q22.3.
Variant type: single nucleotide variant.
Coding change: c.187A>T on transcript NM_030780.5 (MANE Select); coding-DNA position 187, A replaced by T.
Protein change: p.Asn63Tyr; replaces asparagine 63 with tyrosine.
Molecular consequence: missense variant. On other transcripts: non-coding transcript variant (2).
Genome position (GRCh38, 1-based): chr8:103,407,752, T>A on the plus strand (A>T on the coding strand, the complement: SLC25A32 is on the minus strand). VCF-style: chr8-103407752-T-A. GRCh37 (hg19) VCF-style: chr8-104419980-T-A.
Other names: short protein forms N63Y.
Identifiers: ClinVar variation 1899005 (VCV001899005.6), dbSNP rs1182584102, ClinGen allele CA371630457.